The following is an entry in ClinVar:

NM_017654.4(SAMD9):c.2912_2913del (p.Glu971fs)

Gene: SAMD9 (sterile alpha motif domain containing 9; minus strand). Cytogenetic location: 7q21.2.
Variant type: Microsatellite.
Coding change: c.2912_2913del on transcript NM_017654.4 (MANE Select); coding-DNA positions 2912 to 2913, 2 bases deleted (AG; older notation c.2912_2913delAG).
Protein change: p.Glu971fs; shifts the reading frame from glutamic acid 971.
Molecular consequence: frameshift variant.
Genome position (GRCh38, 1-based): chr7:93,103,185-93,103,186, CT deleted on the plus strand (AG on the coding strand, the reverse complement: SAMD9 is on the minus strand); deleting any 2 consecutive bases within chr7:93,103,185-93,103,188 gives the same sequence; the c. name uses the placement nearest the transcript's 3' end. VCF-style (leftmost placement, unchanged base first): chr7-93103184-CCT-C. GRCh37 (hg19) VCF-style: chr7-92732497-CCT-C.
Other names: c.2912_2913del, p.Glu971fs (NM_001193307.2); short protein forms E971fs.
Identifiers: ClinVar variation 2800250 (VCV002800250.3), dbSNP rs1366045584, ClinGen allele CA576706773.
Genomic context (GRCh38, chr7:93,103,184, plus strand): 5'-AGAACTCTGCAATCAAAGAGTGAATGATGCGTACTCCACAGTAGTTCCCACATTCGATGA[CCT>C]CTGTTTTTATCAGAATTGTAGAGTAGGTGCCCATCTTGTCTTCAAATTTTTCTGTCCCCC-3'

ClinVar aggregate classification (germline): Uncertain significance (1 of 4 stars; one submission).

Submission:

Labcorp Genetics (formerly Invitae), Labcorp
Classification: Uncertain significance. Last evaluated: 2025-05-30. Review status: criteria provided, single submitter. Criteria: Invitae Variant Classification Sherloc (09022015). Collection method: clinical testing. Allele origin: germline.
Comment: This sequence change creates a premature translational stop signal (p.Glu971Glyfs*33) in the SAMD9 gene. While this is not anticipated to result in nonsense mediated decay, it is expected to disrupt the last 619 amino acid(s) of the SAMD9 protein. This variant is present in population databases (no rsID available, gnomAD 0.01%). This variant has not been reported in the literature in individuals affected with SAMD9-related conditions. Experimental studies and prediction algorithms are not available or were not evaluated, and the functional significance of this variant is currently unknown. In summary, the available evidence is currently insufficient to determine the role of this variant in disease. Therefore, it has been classified as a Variant of Uncertain Significance.